The following is an entry in ClinVar:

ClinVar aggregate classification (germline): Uncertain significance. Review status: criteria provided, multiple submitters, no conflicts (2 of 4 stars). 2 submissions from 2 submitters: Uncertain significance (2). Last evaluated 2024-10-23.

Conditions:
Inborn genetic diseases. Identifiers: MedGen C0950123, MeSH D030342.

Allele frequency attached by ClinVar (database versions not stated): gnomAD exomes 0.00001; ExAC 0.00002; gnomAD 0.00002; TOPMed 0.00003.
gnomAD v4.1: 24 of 1,613,846 alleles (0.0015%); highest among the groups gnomAD compares: Middle Eastern, 0.016%; no homozygotes.

Submissions (2):

Labcorp Genetics (formerly Invitae), Labcorp
Classification: Uncertain significance. Last evaluated: 2024-10-23. Review status: criteria provided, single submitter. Criteria: Invitae Variant Classification Sherloc (09022015). Collection method: clinical testing. Allele origin: germline.
Comment: This sequence change replaces proline, which is neutral and non-polar, with leucine, which is neutral and non-polar, at codon 11 of the SEC24D protein (p.Pro11Leu). This variant is present in population databases (rs774725730, gnomAD 0.007%). This variant has not been reported in the literature in individuals affected with SEC24D-related conditions. ClinVar contains an entry for this variant (Variation ID: 1979503). An algorithm developed to predict the effect of missense changes on protein structure and function (PolyPhen-2) suggests that this variant is likely to be tolerated. In summary, the available evidence is currently insufficient to determine the role of this variant in disease. Therefore, it has been classified as a Variant of Uncertain Significance.

Ambry Genetics
Classification: Uncertain significance for Inborn genetic diseases. Last evaluated: 2022-12-13. Review status: criteria provided, single submitter. Criteria: Ambry Variant Classification Scheme 2023. Collection method: clinical testing. Allele origin: germline.

NM_014822.4(SEC24D):c.32C>T (p.Pro11Leu)

Gene: SEC24D (SEC24 homolog D, COPII component; minus strand). Cytogenetic location: 4q26.
Variant type: single nucleotide variant.
Coding change: c.32C>T on transcript NM_014822.4 (MANE Select); coding-DNA position 32, C replaced by T.
Protein change: p.Pro11Leu; replaces proline 11 with leucine.
Molecular consequence: missense variant.
Genome position (GRCh38, 1-based): chr4:118,833,665, G>A on the plus strand (C>T on the coding strand, the complement: SEC24D is on the minus strand). VCF-style: chr4-118833665-G-A. GRCh37 (hg19) VCF-style: chr4-119754820-G-A.
Other names: c.32C>T, p.Pro11Leu (NM_001318066.2); short protein forms P11L.
Identifiers: ClinVar variation 1979503 (VCV001979503.5), dbSNP rs774725730, ClinGen allele CA3057668.